The following is an entry in ClinVar:

NM_032634.4(PIGO):c.838A>T (p.Met280Leu)

Gene: PIGO (phosphatidylinositol glycan anchor biosynthesis class O; minus strand). Cytogenetic location: 9p13.3.
Variant type: single nucleotide variant.
Coding change: c.838A>T on transcript NM_032634.4 (MANE Select); coding-DNA position 838, A replaced by T.
Protein change: p.Met280Leu; replaces methionine 280 with leucine.
Molecular consequence: missense variant.
Genome position (GRCh38, 1-based): chr9:35,093,522, T>A on the plus strand (A>T on the coding strand, the complement: PIGO is on the minus strand). VCF-style: chr9-35093522-T-A. GRCh37 (hg19) VCF-style: chr9-35093519-T-A.
Other names: c.838A>T, p.Met280Leu (NM_001201484.2, NM_152850.4); short protein forms M280L.
Identifiers: ClinVar variation 968243 (VCV000968243.9), dbSNP rs755227595, ClinGen allele CA373323380.

ClinVar aggregate classification (germline): Uncertain significance (1 of 4 stars; one submission).

Conditions:
Hyperphosphatasia with impaired intellectual development syndrome 2. Also called: Hyperphosphatasia with intellectual disability syndrome 2; GLYCOSYLPHOSPHATIDYLINOSITOL BIOSYNTHESIS DEFECT 6. Identifiers: Orphanet 247262, MedGen C3553637, MONDO:0013882, OMIM 614749.

Submission:

Labcorp Genetics (formerly Invitae), Labcorp
Classification: Uncertain significance for Hyperphosphatasia with impaired intellectual development syndrome 2. Last evaluated: 2019-10-08. Review status: criteria provided, single submitter. Criteria: Invitae Variant Classification Sherloc (09022015). Collection method: clinical testing. Allele origin: germline.
Comment: This sequence change replaces methionine with leucine at codon 280 of the PIGO protein (p.Met280Leu). The methionine residue is highly conserved and there is a small physicochemical difference between methionine and leucine. This variant is not present in population databases (ExAC no frequency). This variant has not been reported in the literature in individuals with PIGO-related conditions. Algorithms developed to predict the effect of missense changes on protein structure and function are either unavailable or do not agree on the potential impact of this missense change (SIFT: "Tolerated"; PolyPhen-2: "Probably Damaging"; Align-GVGD: "Class C0"). In summary, the available evidence is currently insufficient to determine the role of this variant in disease. Therefore, it has been classified as a Variant of Uncertain Significance.